The following is an entry in ClinVar:

NM_001384140.1(PCDH15):c.3973G>T (p.Glu1325Ter)

Gene: PCDH15 (protocadherin related 15; minus strand). Cytogenetic location: 10q21.1.
Variant type: single nucleotide variant.
Coding change: c.3973G>T on transcript NM_001384140.1 (MANE Select); coding-DNA position 3973, G replaced by T.
Protein change: p.Glu1325Ter; replaces glutamic acid 1325 with a stop codon.
Molecular consequence: nonsense.
Genome position (GRCh38, 1-based): chr10:53,840,330, C>A on the plus strand (G>T on the coding strand, the complement: PCDH15 is on the minus strand). VCF-style: chr10-53840330-C-A. GRCh37 (hg19) VCF-style: chr10-55600090-C-A.
Other names: c.3988G>T, p.Glu1330Ter (NM_001142763.2, NM_001142771.2); c.3973G>T, p.Glu1325Ter (NM_001142764.2, NM_001142766.2, NM_001142770.3 and 4 more transcripts); c.3760G>T, p.Glu1254Ter (NM_001142765.2); c.3862G>T, p.Glu1288Ter (NM_001142767.2); c.3907G>T, p.Glu1303Ter (NM_001142768.2, NM_001142773.2, NM_001354404.2); c.4009G>T, p.Glu1337Ter (NM_001142769.4); c.3994G>T, p.Glu1332Ter (NM_001354411.2); short protein forms E1303*, E1325*, E1332*, E1337*, E1254*, E1288*, E1330*.
Identifiers: ClinVar variation 2837069 (VCV002837069.3), dbSNP rs909968793, ClinGen allele CA376528666.

ClinVar aggregate classification (germline): Pathogenic (1 of 4 stars; one submission).

Submission:

Labcorp Genetics (formerly Invitae), Labcorp
Classification: Pathogenic. Last evaluated: 2023-02-14. Review status: criteria provided, single submitter. Criteria: Invitae Variant Classification Sherloc (09022015). Collection method: clinical testing. Allele origin: germline.
Comment: This variant has not been reported in the literature in individuals affected with PCDH15-related conditions. This variant is not present in population databases (gnomAD no frequency). This sequence change creates a premature translational stop signal (p.Glu1325*) in the PCDH15 gene. It is expected to result in an absent or disrupted protein product. Loss-of-function variants in PCDH15 are known to be pathogenic (PMID: 11398101, 11487575, 14570705). For these reasons, this variant has been classified as Pathogenic.

Literature cited by the submitters: PubMed 11398101; PubMed 11487575; PubMed 14570705.